The following is an entry in ClinVar:

NC_000014.9:g.105855808A>G

Genes: IGH (immunoglobulin heavy locus; minus strand), IGHM (immunoglobulin heavy constant mu; minus strand). Cytogenetic location: 14q32.33.
Variant type: single nucleotide variant.
Genome position: GRCh38 VCF-style: chr14-105855808-A-G. GRCh37 (hg19) VCF-style: chr14-106321913-G-G.
Identifiers: ClinVar variation 2687990 (VCV002687990.2), dbSNP rs1136534, ClinGen allele CA266543239.

ClinVar aggregate classification (germline): Benign (1 of 4 stars; one submission).

Allele frequency attached by ClinVar (database versions not stated): 1000 Genomes Project 30x 0.42614; TOPMed 0.43159; gnomAD 0.44214.

Submission:

Unidad de Genómica Garrahan, Hospital de Pediatría Garrahan
Classification: Benign. Last evaluated: 2024-01-24. Review status: criteria provided, single submitter. Criteria: ACMG Guidelines, 2015. Collection method: clinical testing. Allele origin: germline. Affected: no. Observed: 71 variant alleles.
Comment: This variant is classified as Benign based on local population frequency. This variant was detected in 75% of patients studied by a panel of primary immunodeficiencies. Number of patients: 71. Only high quality variants are reported.